The following is an entry in ClinVar:

NM_001371727.1(GABRB2):c.542-80G>A

Gene: GABRB2 (gamma-aminobutyric acid type A receptor subunit beta2; minus strand). Cytogenetic location: 5q34.
Variant type: single nucleotide variant.
Coding change: c.542-80G>A on transcript NM_001371727.1 (MANE Select); 80 bases into the intron before coding-DNA position 542, G replaced by A.
Molecular consequence: intron variant.
Genome position (GRCh38, 1-based): chr5:161,336,849, C>T on the plus strand (G>A on the coding strand, the complement: GABRB2 is on the minus strand). VCF-style: chr5-161336849-C-T. GRCh37 (hg19) VCF-style: chr5-160763856-C-T.
Other names: c.542-80G>A (NM_000813.3, NM_021911.3).
Identifiers: ClinVar variation 680278 (VCV000680278.1), dbSNP rs10074714, ClinGen allele CA131020630.

ClinVar aggregate classification (germline): Benign (1 of 4 stars; one submission).

Allele frequency attached by ClinVar (database versions not stated): 1000 Genomes Project 0.06510; 1000 Genomes Project 30x 0.06590; gnomAD exomes 0.07045; TOPMed 0.08157; gnomAD 0.08514 and 0.08844.
gnomAD v4.1: 103,223 of 1,433,578 alleles (7.2%); highest among the groups gnomAD compares: Middle Eastern, 9.7%; 4,246 homozygotes.

Submission:

GeneDx
Classification: Benign. Last evaluated: 2018-06-14. Review status: criteria provided, single submitter. Criteria: GeneDx Variant Classification (06012015). Collection method: clinical testing. Allele origin: germline. Affected: yes.
Comment: This variant is considered likely benign or benign based on one or more of the following criteria: it is a conservative change, it occurs at a poorly conserved position in the protein, it is predicted to be benign by multiple in silico algorithms, and/or has population frequency not consistent with disease.